The following is an entry in ClinVar:

ClinVar aggregate classification (germline): Uncertain significance (1 of 4 stars; one submission).

Allele frequency attached by ClinVar (database versions not stated): gnomAD exomes below 0.00001.
gnomAD v4.1: 1 of 1,614,144 alleles (0.000062%); highest among the groups gnomAD compares: Non-Finnish European, 0.000085%; no homozygotes.

Submission:

ARUP Laboratories, Molecular Genetics and Genomics, ARUP Laboratories
Classification: Uncertain significance. Last evaluated: 2018-04-11. Review status: criteria provided, single submitter. Criteria: ARUP Molecular Germline Variant Investigation Process. Collection method: clinical testing. Allele origin: germline.
Comment: The HTR2B gene encodes a 5-hydroxytryptamine receptor 2B (MIM: 601122). Thus far, no human Mendelian condition has been associated with variants in this gene. This missense variant p.Ile155Val has not been reported in the scientific literature or previously identified in our laboratory. Based on the available information, the clinical significance of this variant is uncertain.

NM_000867.5(HTR2B):c.463A>G (p.Ile155Val)

Genes: HTR2B (5-hydroxytryptamine receptor 2B; minus strand), PSMD1 (proteasome 26S subunit, non-ATPase 1; plus strand). Cytogenetic location: 2q37.1.
Variant type: single nucleotide variant.
Coding change: c.463A>G on transcript NM_000867.5 (MANE Select); coding-DNA position 463, A replaced by G.
Protein change: p.Ile155Val; replaces isoleucine 155 with valine.
Molecular consequence: missense variant. On other transcripts: intron variant (2).
Genome position (GRCh38, 1-based): chr2:231,113,819, T>C on the plus strand (A>G on the coding strand, the complement: HTR2B is on the minus strand). VCF-style: chr2-231113819-T-C. GRCh37 (hg19) VCF-style: chr2-231978533-T-C.
Other names: c.337A>G, p.Ile113Val (NM_001320758.2); c.1884-24917T>C (NM_002807.4, NM_001191037.2); short protein forms I155V, I113V.
Identifiers: ClinVar variation 618175 (VCV000618175.8), dbSNP rs1559236184, ClinGen allele CA350952973.